The following is an entry in ClinVar:

ClinVar aggregate classification (germline): Uncertain significance (0 of 4 stars; one submission).

Conditions:
SEMA3B-related disorder. Also called: SEMA3B-related condition.

gnomAD v4.1: 1 of 1,582,086 alleles (0.000063%); highest among the groups gnomAD compares: Admixed American, 0.0018%; no homozygotes.

Submission:

PreventionGenetics, part of Exact Sciences
Classification: Uncertain significance for SEMA3B-related condition. Last evaluated: 2024-05-24. Review status: no assertion criteria provided. Collection method: clinical testing. Allele origin: germline.
Comment: The SEMA3B c.558C>T is a noncoding alteration. This variant is predicted to alter splicing based on available splicing prediction programs (SpliceAI, Jaganathan et al. 2019. PubMed ID: 30661751). However, such computer prediction programs are imperfect. To our knowledge, this variant has not been reported in the literature. This variant is reported in 0.0034% of alleles in individuals of Latino descent in gnomAD. At this time, the clinical significance of this variant is uncertain due to the absence of conclusive functional and genetic evidence.

NM_001290060.2(SEMA3B):c.558C>T (p.Tyr186=)

Gene: SEMA3B (semaphorin 3B; plus strand). Cytogenetic location: 3p21.31.
Variant type: single nucleotide variant.
Coding change: c.558C>T on transcript NM_001290060.2 (MANE Select); coding-DNA position 558, C replaced by T.
Protein change: p.Tyr186=; no amino-acid change (tyrosine 186 retained).
Molecular consequence: synonymous variant.
Genome position (GRCh38, 1-based): chr3:50,271,374, C>T. VCF-style: chr3-50271374-C-T. GRCh37 (hg19) VCF-style: chr3-50308805-C-T.
Other names: c.558C>T, p.Tyr186= (NM_001005914.3, NM_001290061.1, NM_004636.4).
Identifiers: ClinVar variation 3344924 (VCV003344924.1).